The following is an entry in ClinVar:

NM_003482.4(KMT2D):c.5868-15_5884del

Gene: KMT2D (lysine methyltransferase 2D; minus strand). Cytogenetic location: 12q13.12.
Variant type: Deletion.
Coding change: c.5868-15_5884del on transcript NM_003482.4 (MANE Select); 15 bases into the intron before coding-DNA position 5868 through coding-DNA position 5884, 32 bases deleted.
Molecular consequence: splice acceptor variant.
Genome position (GRCh38, 1-based): chr12:49,042,314-49,042,345, 32 bases deleted; deleting any 32 consecutive bases within chr12:49,042,314-49,042,348 gives the same sequence; the c. name uses the placement nearest the transcript's 3' end. GRCh37 (hg19): chr12:49,436,100-49,436,131.
Identifiers: ClinVar variation 4723870 (VCV004723870.1).

ClinVar aggregate classification (germline): Likely pathogenic (1 of 4 stars; one submission).

Conditions:
Kabuki syndrome. Also called: NIIKAWA-KUROKI SYNDROME; Kabuki make-up syndrome. Identifiers: Orphanet 2322, MedGen C0796004, MONDO:0016512.

Submission:

Labcorp Genetics (formerly Invitae), Labcorp
Classification: Likely pathogenic for Kabuki syndrome. Last evaluated: 2025-07-29. Review status: criteria provided, single submitter. Criteria: Invitae Variant Classification Sherloc (09022015). Collection method: clinical testing. Allele origin: germline.
Comment: This variant results in the deletion of part of exon 28 (c.5868-15_5884del) of the KMT2D gene. It is expected to disrupt RNA splicing. Variants that disrupt the donor or acceptor splice site typically lead to a loss of protein function (PMID: 16199547), and loss-of-function variants in KMT2D are known to be pathogenic (PMID: 22126750). This variant is not present in population databases (gnomAD no frequency). This variant has not been reported in the literature in individuals affected with KMT2D-related conditions. In summary, the currently available evidence indicates that the variant is pathogenic, but additional data are needed to prove that conclusively. Therefore, this variant has been classified as Likely Pathogenic.

Literature cited by the submitters: PubMed 16199547; PubMed 22126750.